The following is an entry in ClinVar:

NM_002471.4(MYH6):c.1539C>T (p.Asp513=)

Gene: MYH6 (myosin heavy chain 6; minus strand). Cytogenetic location: 14q11.2.
Variant type: single nucleotide variant.
Coding change: c.1539C>T on transcript NM_002471.4 (MANE Select); coding-DNA position 1539, C replaced by T.
Protein change: p.Asp513=; no amino-acid change (aspartic acid 513 retained).
Molecular consequence: synonymous variant.
Genome position (GRCh38, 1-based): chr14:23,400,298, G>A on the plus strand (C>T on the coding strand, the complement: MYH6 is on the minus strand). VCF-style: chr14-23400298-G-A. GRCh37 (hg19) VCF-style: chr14-23869507-G-A.
Identifiers: ClinVar variation 680315 (VCV000680315.12), dbSNP rs140141391, ClinGen allele CA7115785.

ClinVar aggregate classification (germline): Likely benign. Review status: criteria provided, multiple submitters, no conflicts (2 of 4 stars). 4 submissions from 4 submitters: Likely benign (4). Last evaluated 2026-02-01.

Conditions:
MYH6-related disorder. Also called: MYH6-related condition; MYH6-Related Disorders.
Hypertrophic cardiomyopathy 14. Identifiers: MedGen C2750467, MONDO:0013197, OMIM 613251.
Cardiovascular phenotype. Identifiers: MedGen CN230736.

Allele frequency attached by ClinVar (database versions not stated): gnomAD exomes 0.00001 and 0.00004; ExAC 0.00005; ESP Exome Variant Server 0.00008; gnomAD 0.00008 and 0.00009; TOPMed 0.00011.
gnomAD v4.1: 30 of 1,614,132 alleles (0.0019%); highest among the groups gnomAD compares: African/African-American, 0.036%; no homozygotes.

Submissions (4):

Labcorp Genetics (formerly Invitae), Labcorp
Classification: Likely benign for Hypertrophic cardiomyopathy 14. Last evaluated: 2026-02-01. Review status: criteria provided, single submitter. Criteria: Invitae Variant Classification Sherloc (09022015). Collection method: clinical testing. Allele origin: germline.

PreventionGenetics, part of Exact Sciences
Classification: Likely benign for MYH6-related condition. Last evaluated: 2025-05-16. Review status: criteria provided, single submitter. Criteria: ACMG Guidelines, 2015. Collection method: clinical testing. Allele origin: germline.
Comment: This variant is classified as likely benign based on ACMG/AMP sequence variant interpretation guidelines (Richards et al. 2015 PMID: 25741868, with internal and published modifications).

Ambry Genetics
Classification: Likely benign for Cardiovascular phenotype. Last evaluated: 2020-01-23. Review status: criteria provided, single submitter. Criteria: Ambry Variant Classification Scheme 2023. Collection method: clinical testing. Allele origin: germline.

GeneDx
Classification: Likely benign. Last evaluated: 2018-03-12. Review status: criteria provided, single submitter. Criteria: GeneDx Variant Classification (06012015). Collection method: clinical testing. Allele origin: germline. Affected: yes.
Comment: This variant is considered likely benign or benign based on one or more of the following criteria: it is a conservative change, it occurs at a poorly conserved position in the protein, it is predicted to be benign by multiple in silico algorithms, and/or has population frequency not consistent with disease.